The following is an entry in ClinVar:

NM_000334.4(SCN4A):c.2794G>T (p.Asp932Tyr)

Genes: GH-LCR (growth hormone locus control region; plus strand), SCN4A (sodium voltage-gated channel alpha subunit 4; minus strand). Cytogenetic location: 17q23.3.
Variant type: single nucleotide variant.
Coding change: c.2794G>T on transcript NM_000334.4 (MANE Select); coding-DNA position 2794, G replaced by T.
Protein change: p.Asp932Tyr; replaces aspartic acid 932 with tyrosine.
Molecular consequence: missense variant.
Genome position (GRCh38, 1-based): chr17:63,951,483, C>A on the plus strand (G>T on the coding strand, the complement: SCN4A is on the minus strand). VCF-style: chr17-63951483-C-A. GRCh37 (hg19) VCF-style: chr17-62028843-C-A.
Other names: short protein forms D932Y.
Identifiers: ClinVar variation 2012449 (VCV002012449.4), dbSNP rs199656266, ClinGen allele CA400624876.

ClinVar aggregate classification (germline): Uncertain significance (1 of 4 stars; one submission).

Conditions:
Hyperkalemic periodic paralysis. Also called: Familial hyperkalemic periodic paralysis; Gamstorp disease. Identifiers: Orphanet 682, MedGen C0238357, MONDO:0008224, OMIM 170500, HP:0007215.

gnomAD v4.1: 2 of 1,611,880 alleles (0.00012%); highest among the groups gnomAD compares: South Asian, 0.0011%; no homozygotes.

Submission:

Labcorp Genetics (formerly Invitae), Labcorp
Classification: Uncertain significance for Hyperkalemic periodic paralysis. Last evaluated: 2022-08-15. Review status: criteria provided, single submitter. Criteria: Invitae Variant Classification Sherloc (09022015). Collection method: clinical testing. Allele origin: germline.
Comment: In summary, the available evidence is currently insufficient to determine the role of this variant in disease. Therefore, it has been classified as a Variant of Uncertain Significance. Algorithms developed to predict the effect of missense changes on protein structure and function (SIFT, PolyPhen-2, Align-GVGD) all suggest that this variant is likely to be disruptive. This variant has not been reported in the literature in individuals affected with SCN4A-related conditions. This variant is present in population databases (no rsID available, gnomAD 0.003%). This sequence change replaces aspartic acid, which is acidic and polar, with tyrosine, which is neutral and polar, at codon 932 of the SCN4A protein (p.Asp932Tyr).